The following is an entry in ClinVar:

ClinVar aggregate classification (germline): Uncertain significance (1 of 4 stars; one submission).

Conditions:
Hereditary cancer-predisposing syndrome. Also called: Neoplastic Syndromes, Hereditary; Tumor predisposition; Hereditary neoplastic syndrome; Hereditary Cancer Syndrome. Identifiers: Orphanet 140162, MedGen C0027672, MeSH D009386, MONDO:0015356.

Submission:

Ambry Genetics
Classification: Uncertain significance for Hereditary cancer-predisposing syndrome. Last evaluated: 2026-07-06. Review status: criteria provided, single submitter. Criteria: Ambry Variant Classification Scheme 2023. Collection method: clinical testing. Allele origin: germline.
Comment: The p.D678N variant (also known as c.2032G>A), located in coding exon 13 of the NBN gene, results from a G to A substitution at nucleotide position 2032. The aspartic acid at codon 678 is replaced by asparagine, an amino acid with highly similar properties. This amino acid position is conserved. In addition, this alteration is predicted to be tolerated by in silico analysis. Based on the available evidence, the clinical significance of this variant remains unclear.

NM_002485.5(NBN):c.2032G>A (p.Asp678Asn)

Gene: NBN (nibrin; minus strand). Cytogenetic location: 8q21.3.
Variant type: single nucleotide variant.
Coding change: c.2032G>A on transcript NM_002485.5 (MANE Select); coding-DNA position 2032, G replaced by A.
Protein change: p.Asp678Asn; replaces aspartic acid 678 with asparagine.
Molecular consequence: missense variant.
Genome position (GRCh38, 1-based): chr8:89,946,178, C>T on the plus strand (G>A on the coding strand, the complement: NBN is on the minus strand). VCF-style: chr8-89946178-C-T. GRCh37 (hg19) VCF-style: chr8-90958406-C-T.
Other names: c.1786G>A, p.Asp596Asn (NM_001024688.3, NM_001440379.1, NM_001440380.1); short protein forms D596N, D678N.
Identifiers: ClinVar variation 5025380 (VCV005025380.1).